The following is an entry in ClinVar:

NM_001113378.2(FANCI):c.2473C>T (p.His825Tyr)

Gene: FANCI (FA complementation group I; plus strand). Cytogenetic location: 15q26.1.
Variant type: single nucleotide variant.
Coding change: c.2473C>T on transcript NM_001113378.2 (MANE Select); coding-DNA position 2473, C replaced by T.
Protein change: p.His825Tyr; replaces histidine 825 with tyrosine.
Molecular consequence: missense variant. On other transcripts: intron variant (1).
Genome position (GRCh38, 1-based): chr15:89,294,931, C>T. VCF-style: chr15-89294931-C-T. GRCh37 (hg19) VCF-style: chr15-89838162-C-T.
Other names: c.2194C>T, p.His732Tyr (NM_001376910.1); c.2473C>T, p.His825Tyr (NM_001376911.1); c.2456+934C>T (NM_018193.3); short protein forms H732Y, H825Y.
Identifiers: ClinVar variation 2199047 (VCV002199047.4), dbSNP rs2507505615, ClinGen allele CA393750631.
Genomic context (GRCh38, chr15:89,294,931, plus strand): 5'-AAGGGAATCTTCCTTTTTCTTTCTCTCTCTCTGTCTCTCTCTAGGGATAGTATCCAAAGC[C>T]ACCAAGAAAGCCTTTCTGTTCTCAGGTCCAGCAATGAGTTTATGCGCTATGCAGTGAATG-3'
Protein context (NP_001106849.1, residues 815-835): TALFRDSIQS[His825Tyr]QESLSVLRSS

ClinVar aggregate classification (germline): Uncertain significance (1 of 4 stars; one submission).

Conditions:
Fanconi anemia (FA). Also called: Fanconi's anemia. Identifiers: Orphanet 84, MedGen C0015625, MeSH D005199, MONDO:0019391.

Allele frequency attached by ClinVar (database versions not stated): gnomAD exomes below 0.00001.
gnomAD v4.1: 2 of 1,552,220 alleles (0.00013%); highest among the groups gnomAD compares: Non-Finnish European, 0.00017%; no homozygotes.

Submission:

Labcorp Genetics (formerly Invitae), Labcorp
Classification: Uncertain significance for Fanconi anemia. Last evaluated: 2022-04-21. Review status: criteria provided, single submitter. Criteria: Invitae Variant Classification Sherloc (09022015). Collection method: clinical testing. Allele origin: germline.
Comment: In summary, the available evidence is currently insufficient to determine the role of this variant in disease. Therefore, it has been classified as a Variant of Uncertain Significance. Algorithms developed to predict the effect of missense changes on protein structure and function are either unavailable or do not agree on the potential impact of this missense change (SIFT: "Tolerated"; PolyPhen-2: "Possibly Damaging"; Align-GVGD: "Class C0"). This variant has not been reported in the literature in individuals affected with FANCI-related conditions. This variant is not present in population databases (gnomAD no frequency). This sequence change replaces histidine, which is basic and polar, with tyrosine, which is neutral and polar, at codon 825 of the FANCI protein (p.His825Tyr).